The following is an entry in ClinVar:

NM_002626.6(PFKL):c.258C>T (p.Ser86=)

Gene: PFKL (phosphofructokinase, liver type; plus strand). Cytogenetic location: 21q22.3.
Variant type: single nucleotide variant.
Coding change: c.258C>T on transcript NM_002626.6 (MANE Select); coding-DNA position 258, C replaced by T.
Protein change: p.Ser86=; no amino-acid change (serine 86 retained).
Molecular consequence: synonymous variant.
Genome position (GRCh38, 1-based): chr21:44,312,125, C>T. VCF-style: chr21-44312125-C-T. GRCh37 (hg19) VCF-style: chr21-45732008-C-T.
Other names: c.408C>T, p.Ser136= (NM_001002021.3).
Identifiers: ClinVar variation 4986304 (VCV004986304.1).

ClinVar aggregate classification (germline): Likely benign (1 of 4 stars; one submission).

Conditions:
PFKL-related disorder. Also called: PFKL-related condition.

gnomAD v4.1: 453 of 1,564,548 alleles (0.029%); highest among the groups gnomAD compares: African/African-American, 0.24%; 3 homozygotes.

Submission:

PreventionGenetics, part of Exact Sciences
Classification: Likely benign for PFKL-related condition. Last evaluated: 2026-02-18. Review status: criteria provided, single submitter. Criteria: ACMG Guidelines, 2015. Collection method: clinical testing. Allele origin: germline.
Comment: This variant is classified as likely benign based on ACMG/AMP sequence variant interpretation guidelines (Richards et al. 2015 PMID: 25741868, with internal and published modifications).